The following is an entry in ClinVar:

NM_001365951.3(KIF1B):c.3290A>G (p.Lys1097Arg)

Gene: KIF1B (kinesin family member 1B; plus strand). Cytogenetic location: 1p36.22.
Variant type: single nucleotide variant.
Coding change: c.3290A>G on transcript NM_001365951.3 (MANE Select); coding-DNA position 3290, A replaced by G.
Protein change: p.Lys1097Arg; replaces lysine 1097 with arginine.
Molecular consequence: missense variant.
Genome position (GRCh38, 1-based): chr1:10,337,401, A>G. VCF-style: chr1-10337401-A-G. GRCh37 (hg19) VCF-style: chr1-10397459-A-G.
Other names: c.3290A>G, p.Lys1097Arg (NM_001365952.1); c.3152A>G, p.Lys1051Arg (NM_015074.3); short protein forms K1097R, K1051R.
Identifiers: ClinVar variation 1728203 (VCV001728203.3), dbSNP rs1436620851, ClinGen allele CA338340352.

ClinVar aggregate classification (germline): Uncertain significance. Review status: criteria provided, multiple submitters, no conflicts (2 of 4 stars). 2 submissions from 2 submitters: Uncertain significance (2). Last evaluated 2023-11-28.

Conditions:
Pheochromocytoma. Also called: MAX-Related Hereditary Paraganglioma-Pheochromocytoma Syndrome. Identifiers: Orphanet 29072, MedGen C0031511, MONDO:0008233, OMIM 171300, HP:0002666.

Allele frequency attached by ClinVar (database versions not stated): TOPMed below 0.00001; gnomAD exomes 0.00001.
gnomAD v4.1: 3 of 1,614,218 alleles (0.00019%); highest among the groups gnomAD compares: African/African-American, 0.0027%; no homozygotes.

Submissions (2):

St. Jude Molecular Pathology, St. Jude Children's Research Hospital
Classification: Uncertain significance for Pheochromocytoma. Last evaluated: 2023-11-28. Review status: criteria provided, single submitter. Criteria: St. Jude Assertion Criteria 2020. Collection method: clinical testing. Allele origin: germline.
Comment: The KIF1B c.3152A>G (p.Lys1051Arg) missense change has a maximum subpopulation frequency of 0.006% in gnomAD v2.1.1. The in silico tool REVEL predicts a benign effect on protein function, but to our knowledge this prediction has not been confirmed by functional studies. To our knowledge, this variant has not been reported in individuals with pheochromocytoma or neuroblastoma. In summary, the evidence currently available is insufficient to determine the clinical significance of this variant. It has therefore been classified as of uncertain significance.

Ambry Genetics
Classification: Uncertain significance. Last evaluated: 2022-03-04. Review status: criteria provided, single submitter. Criteria: Ambry Variant Classification Scheme 2023. Collection method: clinical testing. Allele origin: germline.
Comment: The p.K1051R variant (also known as c.3152A>G), located in coding exon 28 of the KIF1B gene, results from an A to G substitution at nucleotide position 3152. The lysine at codon 1051 is replaced by arginine, an amino acid with highly similar properties. This amino acid position is conserved. In addition, this alteration is predicted to be tolerated by in silico analysis. Since supporting evidence is limited at this time, the clinical significance of this alteration remains unclear.